The following is an entry in ClinVar:

ClinVar aggregate classification (germline): Uncertain significance (1 of 4 stars; one submission).

gnomAD v4.1: 2 of 1,613,578 alleles (0.00012%); highest among the groups gnomAD compares: Non-Finnish European, 0.00017%; no homozygotes.

Submission:

Labcorp Genetics (formerly Invitae), Labcorp
Classification: Uncertain significance. Last evaluated: 2022-11-08. Review status: criteria provided, single submitter. Criteria: Invitae Variant Classification Sherloc (09022015). Collection method: clinical testing. Allele origin: germline.
Comment: Advanced modeling of protein sequence and biophysical properties (such as structural, functional, and spatial information, amino acid conservation, physicochemical variation, residue mobility, and thermodynamic stability) performed at Invitae indicates that this missense variant is not expected to disrupt COL11A1 protein function. This variant has not been reported in the literature in individuals affected with COL11A1-related conditions. This variant is not present in population databases (gnomAD no frequency). This sequence change replaces threonine, which is neutral and polar, with isoleucine, which is neutral and non-polar, at codon 62 of the COL11A1 protein (p.Thr62Ile). In summary, the available evidence is currently insufficient to determine the role of this variant in disease. Therefore, it has been classified as a Variant of Uncertain Significance.

NM_001854.4(COL11A1):c.185C>T (p.Thr62Ile)

Gene: COL11A1 (collagen type XI alpha 1 chain; minus strand). Cytogenetic location: 1p21.1.
Variant type: single nucleotide variant.
Coding change: c.185C>T on transcript NM_001854.4 (MANE Select); coding-DNA position 185, C replaced by T.
Protein change: p.Thr62Ile; replaces threonine 62 with isoleucine.
Molecular consequence: missense variant. On other transcripts: non-coding transcript variant (1).
Genome position (GRCh38, 1-based): chr1:103,082,894, G>A on the plus strand (C>T on the coding strand, the complement: COL11A1 is on the minus strand). VCF-style: chr1-103082894-G-A. GRCh37 (hg19) VCF-style: chr1-103548450-G-A.
Other names: c.185C>T, p.Thr62Ile (NM_001168249.1, NM_001190709.2, NM_080629.3 and 1 more transcripts); short protein forms T62I.
Identifiers: ClinVar variation 2806788 (VCV002806788.3), dbSNP rs746264058, ClinGen allele CA341168709.